The following is an entry in ClinVar:

ClinVar aggregate classification (germline): Uncertain significance. Review status: criteria provided, multiple submitters, no conflicts (2 of 4 stars). 2 submissions from 2 submitters: Uncertain significance (2). Last evaluated 2024-06-03.

Allele frequency attached by ClinVar (database versions not stated): gnomAD 0.00001; gnomAD exomes 0.00001; TOPMed 0.00001; ExAC 0.00003.
gnomAD v4.1: 24 of 1,613,114 alleles (0.0015%); highest among the groups gnomAD compares: Middle Eastern, 0.049%; 1 homozygote.

Submissions (2):

Ambry Genetics
Classification: Uncertain significance. Last evaluated: 2024-06-03. Review status: criteria provided, single submitter. Criteria: Ambry Variant Classification Scheme 2023. Collection method: clinical testing. Allele origin: germline.

Labcorp Genetics (formerly Invitae), Labcorp
Classification: Uncertain significance. Last evaluated: 2022-01-16. Review status: criteria provided, single submitter. Criteria: Invitae Variant Classification Sherloc (09022015). Collection method: clinical testing. Allele origin: germline.
Comment: This sequence change replaces threonine, which is neutral and polar, with asparagine, which is neutral and polar, at codon 1453 of the HMCN1 protein (p.Thr1453Asn). This variant is present in population databases (rs758491782, gnomAD 0.006%). This variant has not been reported in the literature in individuals affected with HMCN1-related conditions. Algorithms developed to predict the effect of missense changes on protein structure and function are either unavailable or do not agree on the potential impact of this missense change (SIFT: "Deleterious"; PolyPhen-2: "Probably Damaging"; Align-GVGD: "Class C0"). In summary, the available evidence is currently insufficient to determine the role of this variant in disease. Therefore, it has been classified as a Variant of Uncertain Significance.

NM_031935.3(HMCN1):c.4358C>A (p.Thr1453Asn)

Gene: HMCN1 (hemicentin 1; plus strand). Cytogenetic location: 1q31.1.
Variant type: single nucleotide variant.
Coding change: c.4358C>A on transcript NM_031935.3 (MANE Select); coding-DNA position 4358, C replaced by A.
Protein change: p.Thr1453Asn; replaces threonine 1453 with asparagine.
Molecular consequence: missense variant.
Genome position (GRCh38, 1-based): chr1:186,003,727, C>A. VCF-style: chr1-186003727-C-A. GRCh37 (hg19) VCF-style: chr1-185972859-C-A.
Other names: c.4358C>A (NM_031935.2); short protein forms T1453N.
Identifiers: ClinVar variation 2184882 (VCV002184882.5), dbSNP rs758491782, ClinGen allele CA1291983.
Genomic context (GRCh38, chr1:186,003,727, plus strand): 5'-TGCTCTTTTTGCTGAGTAACAGAGTTTCATAATACACTGTCTTTGTTCAAGTTCCACCCA[C>A]CATAATAGGTACCAACTTCCCAAATGAAGTCTCAGTTGTCCTCAACCGTGACGTCGCCCT-3'
Protein context (NP_114141.2, residues 1443-1463): YFNIDVLVPP[Thr1453Asn]IIGTNFPNEV